The following is an entry in ClinVar:

ClinVar aggregate classification (germline): Conflicting classifications of pathogenicity. Review status: criteria provided, conflicting classifications (1 of 4 stars). 3 submissions from 3 submitters: Uncertain significance (1); Likely benign (1). 1 of the submissions does not count toward it. Last evaluated 2021-07-09.

Conditions:
Febrile seizures, familial, 11 (FEB11). Also called: CONVULSIONS, FAMILIAL FEBRILE, 11. Identifiers: MedGen C3280734, MONDO:0024566, OMIM 614418.
CPA6-related disorder. Also called: CPA6-related condition.

Allele frequency attached by ClinVar (database versions not stated): ExAC 0.00003; ESP Exome Variant Server 0.00008; gnomAD exomes 0.00009 and 0.00017; gnomAD 0.00013; TOPMed 0.00014.
gnomAD v4.1: 262 of 1,611,008 alleles (0.016%); highest among the groups gnomAD compares: Non-Finnish European, 0.021%; no homozygotes.

Submissions (3):

Labcorp Genetics (formerly Invitae), Labcorp
Classification: Likely benign for Febrile seizures, familial, 11. Last evaluated: 2021-07-09. Review status: criteria provided, single submitter. Criteria: Invitae Variant Classification Sherloc (09022015). Collection method: clinical testing. Allele origin: germline.

CeGaT Center for Human Genetics Tuebingen
Classification: Uncertain significance. Last evaluated: 2017-03-01. Review status: criteria provided, single submitter. Criteria: CeGaT Center For Human Genetics Tuebingen Variant Classification Criteria Version 2. Collection method: clinical testing. Allele origin: germline. Affected: yes. Observed: 2 variant alleles.

PreventionGenetics, part of Exact Sciences
Classification: Likely benign for CPA6-related condition. Last evaluated: 2019-09-13. Review status: no assertion criteria provided. Collection method: clinical testing. Allele origin: germline. Not counted in ClinVar's aggregate classification.
Comment: This variant is classified as likely benign based on ACMG/AMP sequence variant interpretation guidelines (Richards et al. 2015 PMID: 25741868, with internal and published modifications).

NM_020361.5(CPA6):c.1026C>G (p.Pro342=)

Genes: ARFGEF1-DT (ARFGEF1 divergent transcript; plus strand), CPA6 (carboxypeptidase A6; minus strand). Cytogenetic location: 8q13.2.
Variant type: single nucleotide variant.
Coding change: c.1026C>G on transcript NM_020361.5 (MANE Select); coding-DNA position 1026, C replaced by G.
Protein change: p.Pro342=; no amino-acid change (proline 342 retained).
Molecular consequence: synonymous variant.
Genome position (GRCh38, 1-based): chr8:67,434,053, G>C on the plus strand (C>G on the coding strand, the complement: CPA6 is on the minus strand). VCF-style: chr8-67434053-G-C. GRCh37 (hg19) VCF-style: chr8-68346288-G-C.
Identifiers: ClinVar variation 444756 (VCV000444756.52), dbSNP rs372964579, ClinGen allele CA4772755.